The following is an entry in ClinVar:

NM_001303256.3(MORC2):c.743A>G (p.Tyr248Cys)

Gene: MORC2 (MORC family CW-type zinc finger 2; minus strand). Cytogenetic location: 22q12.2.
Variant type: single nucleotide variant.
Coding change: c.743A>G on transcript NM_001303256.3 (MANE Select); coding-DNA position 743, A replaced by G.
Protein change: p.Tyr248Cys; replaces tyrosine 248 with cysteine.
Molecular consequence: missense variant.
Genome position (GRCh38, 1-based): chr22:30,941,514, T>C on the plus strand (A>G on the coding strand, the complement: MORC2 is on the minus strand). VCF-style: chr22-30941514-T-C. GRCh37 (hg19) VCF-style: chr22-31337501-T-C.
Other names: c.743A>G, p.Tyr248Cys (NM_001303257.2); c.557A>G, p.Tyr186Cys (NM_014941.3); short protein forms Y186C, Y248C.
Identifiers: ClinVar variation 694961 (VCV000694961.10), dbSNP rs1355363942, ClinGen allele CA411241439.

ClinVar aggregate classification (germline): Uncertain significance. Review status: criteria provided, multiple submitters, no conflicts (2 of 4 stars). 3 submissions from 3 submitters: Uncertain significance (2). 1 of the submissions does not count toward it. Last evaluated 2026-06-16.

Conditions:
MORC2-related disorder. Also called: MORC2-related condition.
Charcot-Marie-Tooth disease. Also called: Charcot-Marie-Tooth Hereditary Neuropathy; Charcot-Marie-Tooth Neuropathy. Identifiers: Orphanet 166, MedGen C0007959, MONDO:0015626.
Charcot-Marie-Tooth disease axonal type 2Z. Also called: CHARCOT-MARIE-TOOTH DISEASE, AXONAL, AUTOSOMAL DOMINANT, TYPE 2Z; CHARCOT-MARIE-TOOTH NEUROPATHY, TYPE 2Z. Identifiers: Orphanet 466768, MedGen C5569025, MONDO:0014736, OMIM 616688.

Allele frequency attached by ClinVar (database versions not stated): gnomAD exomes below 0.00001; TOPMed below 0.00001; gnomAD 0.00003.

Submissions (3):

PreventionGenetics, part of Exact Sciences
Classification: Uncertain significance for MORC2-related condition. Last evaluated: 2026-06-16. Review status: criteria provided, single submitter. Criteria: ACMG Guidelines, 2015. Collection method: clinical testing. Allele origin: germline.
Comment: The MORC2 c.743A>G variant is predicted to result in the amino acid substitution p.Tyr248Cys. This variant was reported in a family with Charcot-Marie-Tooth disease type 2, although the authors indicated it did not segregate with disease in the family and was thus considered non-pathogenic (Albulym et al. 2016. PubMed ID: 26659848). This variant is not present in a large population database (gnomAD), indicating this variant is rare. At this time, the clinical significance of this variant is uncertain due to the absence of conclusive functional and genetic evidence.

Labcorp Genetics (formerly Invitae), Labcorp
Classification: Uncertain significance for Charcot-Marie-Tooth disease axonal type 2Z. Last evaluated: 2019-07-17. Review status: criteria provided, single submitter. Criteria: Invitae Variant Classification Sherloc (09022015). Collection method: clinical testing. Allele origin: germline.
Comment: This sequence change replaces tyrosine with cysteine at codon 248 of the MORC2 protein (p.Tyr248Cys). The tyrosine residue is highly conserved and there is a large physicochemical difference between tyrosine and cysteine. This variant is not present in population databases (ExAC no frequency). In summary, the available evidence is currently insufficient to determine the role of this variant in disease. Therefore, it has been classified as a Variant of Uncertain Significance. Algorithms developed to predict the effect of missense changes on protein structure and function are either unavailable or do not agree on the potential impact of this missense change (SIFT: "Deleterious"; PolyPhen-2: "Probably Damaging"; Align-GVGD: "Class C0"). This variant has been observed in an individual affected with Charcot-Marie-Tooth disease (PMID: 26659848).

Genesis Genome Database
Classification: Uncertain significance for Charcot-Marie-Tooth disease. Last evaluated: 2019-08-14. Review status: no assertion criteria provided. Collection method: research. Allele origin: germline. Affected: yes. Not counted in ClinVar's aggregate classification.

Literature cited by the submitters: PubMed 26659848 (cited by Labcorp Genetics (formerly Invitae), Labcorp).